The following is an entry in ClinVar:

ClinVar aggregate classification (germline): Likely benign (1 of 4 stars; one submission).

gnomAD v4.1: 7 of 1,613,866 alleles (0.00043%); highest among the groups gnomAD compares: Non-Finnish European, 0.00059%; no homozygotes.

Submission:

Women's Health and Genetics/Laboratory Corporation of America, LabCorp
Classification: Likely benign. Last evaluated: 2024-12-27. Review status: criteria provided, single submitter. Criteria: LabCorp Variant Classification Summary - May 2015. Collection method: clinical testing. Allele origin: germline.
Comment: Variant summary: ARID2 c.5062-13C>T alters a nucleotide located at a position not widely known to affect splicing. Consensus agreement among computation tools predict no significant impact on normal splicing. However, these predictions have yet to be confirmed by functional studies. The variant was absent in 251050 control chromosomes. The available data on variant occurrences in the general population are insufficient to allow any conclusion about variant significance. To our knowledge, no occurrence of c.5062-13C>T in individuals affected with Coffin-Siris Syndrome 6 and no experimental evidence demonstrating its impact on protein function have been reported. No submitters have cited clinical-significance assessments for this variant to ClinVar. Based on the evidence outlined above, the variant was classified as likely benign.

NM_152641.4(ARID2):c.5062-13C>T

Gene: ARID2 (AT-rich interaction domain 2; plus strand). Cytogenetic location: 12q12.
Variant type: single nucleotide variant.
Coding change: c.5062-13C>T on transcript NM_152641.4 (MANE Select); 13 bases into the intron before coding-DNA position 5062, C replaced by T.
Molecular consequence: intron variant.
Genome position (GRCh38, 1-based): chr12:45,891,998, C>T. VCF-style: chr12-45891998-C-T. GRCh37 (hg19) VCF-style: chr12-46285781-C-T.
Other names: c.5062-13C>T (NM_001347839.2).
Identifiers: ClinVar variation 3768101 (VCV003768101.1).
Genomic context (GRCh38, chr12:45,891,998, plus strand): 5'-TTTGATCAGTAACTCATTTGACTGCATTAAAGATTTTGACGTGCCATTCTCTTGCTTCCT[C>T]TTCCTCAAAAAGGATAAGCACTGTTCAAAGGATGCCCTACTTGCAGGATTAAAACAAGAT-3'